The following is an entry in ClinVar:

ClinVar aggregate classification (germline): Uncertain significance (1 of 4 stars; one submission).

Allele frequency attached by ClinVar (database versions not stated): TOPMed 0.00001; gnomAD exomes 0.00006.

Submission:

Labcorp Genetics (formerly Invitae), Labcorp
Classification: Uncertain significance. Last evaluated: 2025-01-06. Review status: criteria provided, single submitter. Criteria: Invitae Variant Classification Sherloc (09022015). Collection method: clinical testing. Allele origin: germline.
Comment: This sequence change creates a premature translational stop signal (p.Glu1421Lysfs*18) in the NIN gene. It is expected to result in an absent or disrupted protein product. However, the current clinical and genetic evidence is not sufficient to establish whether loss-of-function variants in NIN cause disease. This variant is not present in population databases (gnomAD no frequency). This variant has not been reported in the literature in individuals affected with NIN-related conditions. ClinVar contains an entry for this variant (Variation ID: 1897187). In summary, the available evidence is currently insufficient to determine the role of this variant in disease. Therefore, it has been classified as a Variant of Uncertain Significance.

NM_020921.4(NIN):c.4261del (p.Glu1421fs)

Gene: NIN (ninein; minus strand). Cytogenetic location: 14q22.1.
Variant type: Deletion.
Coding change: c.4261del on transcript NM_020921.4 (MANE Select); coding-DNA position 4261, one base deleted (G; older notation c.4261delG).
Protein change: p.Glu1421fs; shifts the reading frame from glutamic acid 1421.
Molecular consequence: frameshift variant. On other transcripts: intron variant (1).
Genome position (GRCh38, 1-based): chr14:50,756,769, C deleted on the plus strand (G on the coding strand, the reverse complement: NIN is on the minus strand). VCF-style (leftmost placement, unchanged base first): chr14-50756768-TC-T. GRCh37 (hg19) VCF-style: chr14-51223486-TC-T.
Other names: c.4261del, p.Glu1421fs (NM_182944.3, NM_182946.2); c.2400-1902del (NM_016350.5); short protein forms E1421fs.
Identifiers: ClinVar variation 1897187 (VCV001897187.5), dbSNP rs2042045485, ClinGen allele CA2136351946.